The following is an entry in ClinVar:

ClinVar aggregate classification (germline): Likely pathogenic (1 of 4 stars; one submission).

Conditions:
ALG9 congenital disorder of glycosylation (CDG1L). Also called: CDG Il; CONGENITAL DISORDER OF GLYCOSYLATION, TYPE Il; ALG9-CDG. Identifiers: Orphanet 79328, MedGen C2931006, MONDO:0012117, OMIM 608776.

Submission:

Labcorp Genetics (formerly Invitae), Labcorp
Classification: Likely pathogenic for ALG9 congenital disorder of glycosylation. Last evaluated: 2022-07-25. Review status: criteria provided, single submitter. Criteria: Invitae Variant Classification Sherloc (09022015). Collection method: clinical testing. Allele origin: germline.
Comment: In summary, the currently available evidence indicates that the variant is pathogenic, but additional data are needed to prove that conclusively. Therefore, this variant has been classified as Likely Pathogenic. Algorithms developed to predict the effect of sequence changes on RNA splicing suggest that this variant may disrupt the consensus splice site. This variant has not been reported in the literature in individuals affected with ATP6V0A2-related conditions. This variant is not present in population databases (gnomAD no frequency). This sequence change affects an acceptor splice site in intron 9 of the ATP6V0A2 gene. It is expected to disrupt RNA splicing. Variants that disrupt the donor or acceptor splice site typically lead to a loss of protein function (PMID: 16199547), and loss-of-function variants in ATP6V0A2 are known to be pathogenic (PMID: 18157129, 19321599).

Literature cited by the submitters: PubMed 16199547; PubMed 18157129; PubMed 19321599.

NM_012463.4(ATP6V0A2):c.1039-1G>A

Gene: ATP6V0A2 (ATPase H+ transporting V0 subunit a2; plus strand). Cytogenetic location: 12q24.31.
Variant type: single nucleotide variant.
Coding change: c.1039-1G>A on transcript NM_012463.4 (MANE Select); the canonical splice acceptor site of the intron before coding-DNA position 1039, G replaced by A.
Molecular consequence: splice acceptor variant.
Genome position (GRCh38, 1-based): chr12:123,743,784, G>A. VCF-style: chr12-123743784-G-A. GRCh37 (hg19) VCF-style: chr12-124228331-G-A.
Identifiers: ClinVar variation 2019619 (VCV002019619.4), dbSNP rs1956632157, ClinGen allele CA387155248.